The following is an entry in ClinVar:

NM_003978.5(PSTPIP1):c.355-12T>C

Gene: PSTPIP1 (proline-serine-threonine phosphatase interacting protein 1; plus strand). Cytogenetic location: 15q24.3.
Variant type: single nucleotide variant.
Coding change: c.355-12T>C on transcript NM_003978.5 (MANE Select); 12 bases into the intron before coding-DNA position 355, T replaced by C.
Molecular consequence: intron variant.
Genome position (GRCh38, 1-based): chr15:77,027,840, T>C. VCF-style: chr15-77027840-T-C. GRCh37 (hg19) VCF-style: chr15-77320181-T-C.
Other names: c.550-12T>C (NM_001321137.1); c.328-12T>C (NM_001321136.2); c.355-12T>C (NM_001321135.2, NM_001411086.1).
Identifiers: ClinVar variation 2733475 (VCV002733475.3), dbSNP rs1397293339, ClinGen allele CA619192338.
Genomic context (GRCh38, chr15:77,027,840, plus strand): 5'-ACTCCGTCCTCTTGGCCTAGGGGAGCCTCCCGAGGCCGCGGCCCTCGGCTCAGAACCTCG[T>C]GTCCCCTGCAGTATGAGGCCGTCATGGACCGGGTCCAGAAGAGCAAGCTGTCGCTCTACA-3'

ClinVar aggregate classification (germline): Uncertain significance (1 of 4 stars; one submission).

Conditions:
Pyogenic arthritis-pyoderma gangrenosum-acne syndrome (PAPA). Also called: FAMILIAL RECURRENT ARTHRITIS; PAPA SYNDROME. Identifiers: Orphanet 69126, MedGen C1858361, MONDO:0011462, OMIM 604416.

Allele frequency attached by ClinVar (database versions not stated): gnomAD exomes 0.00001; TOPMed 0.00001.
gnomAD v4.1: 9 of 1,561,268 alleles (0.00058%); highest among the groups gnomAD compares: Middle Eastern, 0.05%; no homozygotes.

Submission:

Labcorp Genetics (formerly Invitae), Labcorp
Classification: Uncertain significance for Pyogenic arthritis-pyoderma gangrenosum-acne syndrome. Last evaluated: 2025-10-21. Review status: criteria provided, single submitter. Criteria: Invitae Variant Classification Sherloc (09022015). Collection method: clinical testing. Allele origin: germline.
Comment: This sequence change falls in intron 5 of the PSTPIP1 gene. It does not directly change the encoded amino acid sequence of the PSTPIP1 protein. This variant is present in population databases (no rsID available, gnomAD 0.003%). This variant has not been reported in the literature in individuals affected with PSTPIP1-related conditions. ClinVar contains an entry for this variant (Variation ID: 2733475). Algorithms developed to predict the effect of sequence changes on RNA splicing suggest that this variant may disrupt the consensus splice site. In summary, the available evidence is currently insufficient to determine the role of this variant in disease. Therefore, it has been classified as a Variant of Uncertain Significance.